The following is an entry in ClinVar:

ClinVar aggregate classification (germline): Uncertain significance. Review status: criteria provided, multiple submitters, no conflicts (2 of 4 stars). 2 submissions from 2 submitters: Uncertain significance (2). Last evaluated 2026-01-28.

Conditions:
CACNA1E-related disorder. Also called: CACNA1E-related condition.

Allele frequency attached by ClinVar (database versions not stated): TOPMed 0.00001.

Submissions (2):

Labcorp Genetics (formerly Invitae), Labcorp
Classification: Uncertain significance. Last evaluated: 2026-01-28. Review status: criteria provided, single submitter. Criteria: Invitae Variant Classification Sherloc (09022015). Collection method: clinical testing. Allele origin: germline.
Comment: This sequence change replaces arginine, which is basic and polar, with lysine, which is basic and polar, at codon 2244 of the CACNA1E protein (p.Arg2244Lys). This variant is not present in population databases (gnomAD no frequency). This variant has not been reported in the literature in individuals affected with CACNA1E-related conditions. ClinVar contains an entry for this variant (Variation ID: 2631927). Invitae Evidence Modeling of protein sequence and biophysical properties (such as structural, functional, and spatial information, amino acid conservation, physicochemical variation, residue mobility, and thermodynamic stability) indicates that this missense variant is not expected to disrupt CACNA1E protein function with a negative predictive value of 95%. In summary, the available evidence is currently insufficient to determine the role of this variant in disease. Therefore, it has been classified as a Variant of Uncertain Significance.

PreventionGenetics, part of Exact Sciences
Classification: Uncertain significance for CACNA1E-related condition. Last evaluated: 2022-11-10. Review status: criteria provided, single submitter. Criteria: ACMG Guidelines, 2015. Collection method: clinical testing. Allele origin: germline.
Comment: The CACNA1E c.6731G>A variant is predicted to result in the amino acid substitution p.Arg2244Lys. To our knowledge, this variant has not been reported in the literature or in a large population database, indicating this variant is rare. At this time, the clinical significance of this variant is uncertain due to the absence of conclusive functional and genetic evidence.

NM_001205293.3(CACNA1E):c.6860G>A (p.Arg2287Lys)

Gene: CACNA1E (calcium voltage-gated channel subunit alpha1 E; plus strand). Cytogenetic location: 1q25.3.
Variant type: single nucleotide variant.
Coding change: c.6860G>A on transcript NM_001205293.3 (MANE Select); coding-DNA position 6860, G replaced by A.
Protein change: p.Arg2287Lys; replaces arginine 2287 with lysine.
Molecular consequence: missense variant.
Genome position (GRCh38, 1-based): chr1:181,798,752, G>A. VCF-style: chr1-181798752-G-A. GRCh37 (hg19) VCF-style: chr1-181767888-G-A.
Other names: c.6731G>A, p.Arg2244Lys (NM_000721.4); c.6674G>A, p.Arg2225Lys (NM_001205294.2); short protein forms R2225K, R2244K, R2287K.
Identifiers: ClinVar variation 2631927 (VCV002631927.2), dbSNP rs1662045383, ClinGen allele CA343845692.
Genomic context (GRCh38, chr1:181,798,752, plus strand): 5'-GCTCAGCCCCACCCCTGCGGCATAGCTGGCAGATGCCCAACGGGCACTATCGGCGGCGGA[G>A]GCGCGGGGGGCCTGGGCCAGGCATGATGTGTGGGGCTGTCAACAACCTGCTAAGTGACAC-3'
Protein context (NP_001192222.1, residues 2277-2297): QMPNGHYRRR[Arg2287Lys]RGGPGPGMMC